The following is an entry in ClinVar:

NM_003803.4(MYOM1):c.5019C>T (p.Ala1673=)

Gene: MYOM1 (myomesin 1; minus strand). Cytogenetic location: 18p11.31.
Variant type: single nucleotide variant.
Coding change: c.5019C>T on transcript NM_003803.4 (MANE Select); coding-DNA position 5019, C replaced by T.
Protein change: p.Ala1673=; no amino-acid change (alanine 1673 retained).
Molecular consequence: synonymous variant.
Genome position (GRCh38, 1-based): chr18:3,067,301, G>A on the plus strand (C>T on the coding strand, the complement: MYOM1 is on the minus strand). VCF-style: chr18-3067301-G-A. GRCh37 (hg19) VCF-style: chr18-3067299-G-A.
Other names: c.4731C>T, p.Ala1577= (NM_019856.2).
Identifiers: ClinVar variation 454458 (VCV000454458.21), dbSNP rs199980922, ClinGen allele CA8873695.
Genomic context (GRCh38, chr18:3,067,301, plus strand): 5'-TGGCTCTCCTCGCACCTCCGGTCACTTGGCCTTCTTGCCACCTTTCAGGGACTCCAAGGC[G>A]GCCATCCTCGCCTCCTCCTCTGGGATGAACACGCTGACGGTGAAGTCGCTGGTCTCCGAG-3'
Protein context (NP_003794.3, residues 1663-1683): VFIPEEEARM[Ala1673=]ALESLKGGKK

ClinVar aggregate classification (germline): Benign/Likely benign. Review status: criteria provided, multiple submitters, no conflicts (2 of 4 stars). 4 submissions from 4 submitters: Benign (1); Likely benign (3). Last evaluated 2026-01-19.

Conditions:
Hypertrophic cardiomyopathy. Also called: HYPERTROPHIC MYOCARDIOPATHY. Identifiers: Orphanet 217569, MedGen C0007194, MeSH D002312, MONDO:0005045, HP:0001639.

Allele frequency attached by ClinVar (database versions not stated): ExAC 0.00036; 1000 Genomes Project 0.00060; gnomAD 0.00076; ESP Exome Variant Server 0.00077; 1000 Genomes Project 30x 0.00078; TOPMed 0.00108; gnomAD exomes 0.00023 and 0.00030.
gnomAD v4.1: 496 of 1,610,386 alleles (0.031%); highest among the groups gnomAD compares: African/African-American, 0.25%; 2 homozygotes.

Submissions (4):

Labcorp Genetics (formerly Invitae), Labcorp
Classification: Benign for Hypertrophic cardiomyopathy. Last evaluated: 2026-01-19. Review status: criteria provided, single submitter. Criteria: Invitae Variant Classification Sherloc (09022015). Collection method: clinical testing. Allele origin: germline.

Ambry Genetics
Classification: Likely benign. Last evaluated: 2022-05-17. Review status: criteria provided, single submitter. Criteria: Ambry Variant Classification Scheme 2023. Collection method: clinical testing. Allele origin: germline.

Laboratory for Molecular Medicine, Mass General Brigham Personalized Medicine
Classification: Likely benign. Last evaluated: 2014-11-24. Review status: criteria provided, single submitter. Criteria: LMM Criteria. Collection method: clinical testing. Allele origin: germline. Observed: 1 variant allele.
Comment: Ala1673Ala in exon 38 of MYOM1: This variant is not expected to have clinical significance because it does not alter an amino acid residue and is not located within the splice consensus sequence. It has been identified in 0.2% (8/4392) of African American chromosomes from a broad population by the NHLBI Exome Sequencing Project (dbSNP rs199980922).

Breakthrough Genomics
Classification: Likely benign. Review status: criteria provided, single submitter. Criteria: ACMG Guidelines, 2015. Collection method: not provided. Allele origin: germline. Inheritance: Unknown mechanism. Affected: yes.